The following is an entry in ClinVar:

NM_014629.4(ARHGEF10):c.1821G>A (p.Lys607=)

Gene: ARHGEF10 (Rho guanine nucleotide exchange factor 10; plus strand). Cytogenetic location: 8p23.3.
Variant type: single nucleotide variant.
Coding change: c.1821G>A on transcript NM_014629.4 (MANE Select); coding-DNA position 1821, G replaced by A.
Protein change: p.Lys607=; no amino-acid change (lysine 607 retained).
Molecular consequence: synonymous variant.
Genome position (GRCh38, 1-based): chr8:1,903,451, G>A. VCF-style: chr8-1903451-G-A. GRCh37 (hg19) VCF-style: chr8-1851617-G-A.
Other names: c.1707G>A, p.Lys569= (NM_001308152.2); c.1821G>A, p.Lys607= (NM_001308153.3).
Identifiers: ClinVar variation 3708359 (VCV003708359.2).
Genomic context (GRCh38, chr8:1,903,451, plus strand): 5'-TGATCAACGCTGTGAAGTGAAGCAAATAGCCAAAGCCATAAACGAAAGATACCTGAACAA[G>A]GTTGAGAGAGGTTTTCTTCAACTCTATTCCAAAATTATTTTTGCTTTGTGCTAATAAGCT-3'
Protein context (NP_055444.2, residues 597-617): AKAINERYLN[Lys607=]LLSSGSRYLI

ClinVar aggregate classification (germline): Uncertain significance (1 of 4 stars; one submission).

gnomAD v4.1: 54 of 1,613,932 alleles (0.0033%); highest among the groups gnomAD compares: Non-Finnish European, 0.0045%; no homozygotes.

Submission:

Labcorp Genetics (formerly Invitae), Labcorp
Classification: Uncertain significance. Last evaluated: 2024-03-29. Review status: criteria provided, single submitter. Criteria: Invitae Variant Classification Sherloc (09022015). Collection method: clinical testing. Allele origin: germline.
Comment: This sequence change affects codon 607 of the ARHGEF10 mRNA. It is a 'silent' change, meaning that it does not change the encoded amino acid sequence of the ARHGEF10 protein. This variant also falls at the last nucleotide of exon 16, which is part of the consensus splice site for this exon. This variant is present in population databases (rs757695026, gnomAD 0.0009%). This variant has not been reported in the literature in individuals affected with ARHGEF10-related conditions. Variants that disrupt the consensus splice site are a relatively common cause of aberrant splicing (PMID: 17576681, 9536098). Algorithms developed to predict the effect of sequence changes on RNA splicing suggest that this variant may disrupt the consensus splice site. In summary, the available evidence is currently insufficient to determine the role of this variant in disease. Therefore, it has been classified as a Variant of Uncertain Significance.

Literature cited by the submitters: PubMed 17576681; PubMed 9536098.